The following is an entry in ClinVar:

ClinVar aggregate classification (germline): Uncertain significance (1 of 4 stars; one submission).

Submission:

GeneDx
Classification: Uncertain significance. Last evaluated: 2024-09-30. Review status: criteria provided, single submitter. Criteria: GeneDx Variant Classification Process June 2021. Collection method: clinical testing. Allele origin: germline. Affected: yes.
Comment: Not observed at significant frequency in large population cohorts (gnomAD); In silico analysis supports that this missense variant has a deleterious effect on protein structure/function; Has not been previously published as pathogenic or benign to our knowledge

NM_001005273.3(CHD3):c.2582C>T (p.Ser861Leu)

Gene: CHD3 (chromodomain helicase DNA binding protein 3; plus strand). Cytogenetic location: 17p13.1.
Variant type: single nucleotide variant.
Coding change: c.2582C>T on transcript NM_001005273.3 (MANE Select); coding-DNA position 2582, C replaced by T.
Protein change: p.Ser861Leu; replaces serine 861 with leucine.
Molecular consequence: missense variant.
Genome position (GRCh38, 1-based): chr17:7,899,933, C>T. VCF-style: chr17-7899933-C-T. GRCh37 (hg19) VCF-style: chr17-7803251-C-T.
Other names: c.2759C>T, p.Ser920Leu (NM_001005271.3); c.2582C>T, p.Ser861Leu (NM_005852.4); short protein forms S861L, S920L.
Identifiers: ClinVar variation 3774844 (VCV003774844.1).